The following is an entry in ClinVar:

NM_000091.5(COL4A3):c.274G>A (p.Val92Ile)

Genes: COL4A3 (collagen type IV alpha 3 chain; plus strand), MFF-DT (MFF divergent transcript; minus strand). Cytogenetic location: 2q36.3.
Variant type: single nucleotide variant.
Coding change: c.274G>A on transcript NM_000091.5 (MANE Select); coding-DNA position 274, G replaced by A.
Protein change: p.Val92Ile; replaces valine 92 with isoleucine.
Molecular consequence: missense variant.
Genome position (GRCh38, 1-based): chr2:227,244,359, G>A. VCF-style: chr2-227244359-G-A. GRCh37 (hg19) VCF-style: chr2-228109075-G-A.
Other names: c.274G>A (NM_000091.4); short protein forms V92I.
Identifiers: ClinVar variation 1671124 (VCV001671124.11), dbSNP rs200873401, ClinGen allele CA2145972.

ClinVar aggregate classification (germline): Conflicting classifications of pathogenicity. Review status: criteria provided, conflicting classifications (1 of 4 stars). 4 submissions from 4 submitters: Uncertain significance (2); Likely benign (2). Last evaluated 2026-04-01.

Conditions:
Autosomal dominant Alport syndrome (ATS3A). Also called: Alport syndrome dominant type; Renal failure and sensorineural hearing loss; ALPORT SYNDROME 3A, AUTOSOMAL DOMINANT. Identifiers: Orphanet 63, Orphanet 88918, MedGen C5882663, MONDO:0007086, OMIM 104200.
Inborn genetic diseases. Identifiers: MedGen C0950123, MeSH D030342.

gnomAD v4.1: 36 of 1,613,718 alleles (0.0022%); highest among the groups gnomAD compares: Non-Finnish European, 0.00025%; no homozygotes.

Submissions (4):

GeneDx
Classification: Uncertain significance. Last evaluated: 2026-04-01. Review status: criteria provided, single submitter. Criteria: GeneDx Variant Classification Process June 2021. Collection method: clinical testing. Allele origin: germline.
Comment: In silico analysis suggests that this missense variant does not alter protein structure/function; In silico analysis suggests this variant may impact gene splicing. In the absence of RNA/functional studies, the actual effect of this sequence change is unknown.; Occurs in the triple helical domain at the X position in the canonical Gly-X-Y repeat; although this variant may have an effect on normal protein folding and function, missense substitution at the X position is not a common mechanism of disease; Has not been previously published as pathogenic or benign to our knowledge

Labcorp Genetics (formerly Invitae), Labcorp
Classification: Likely benign. Last evaluated: 2025-09-29. Review status: criteria provided, single submitter. Criteria: Invitae Variant Classification Sherloc (09022015). Collection method: clinical testing. Allele origin: germline.

Johns Hopkins Genomics, Johns Hopkins University
Classification: Uncertain significance for Autosomal dominant Alport syndrome. Last evaluated: 2024-01-04. Review status: criteria provided, single submitter. Criteria: ACMG Guidelines, 2015. Collection method: clinical testing. Allele origin: germline.
Comment: This COL4A3 missense variant (rs200873401) is rare (<0.1%) in a large population dataset (gnomAD v4.0.0: 36/1613718 total alleles; 0.002%; no homozygotes). It has been reported in ClinVar (Variation ID 1671124), but has not been reported in the literature, to our knowledge. Two bioinformatic tools queried predict that this substitution would be tolerated, and while the valine residue at this position is evolutionarily conserved across several of the species assessed, some species have a different amino acid at this position including a few with isoleucine. We consider the clinical significance of c.274G>A in COL4A3 to be uncertain at this time.

Ambry Genetics
Classification: Likely benign for Inborn genetic diseases. Last evaluated: 2022-06-10. Review status: criteria provided, single submitter. Criteria: Ambry Variant Classification Scheme 2023. Collection method: clinical testing. Allele origin: germline.